The following is an entry in ClinVar:

NM_000368.5(TSC1):c.2626-20_2626-19insTC

Gene: TSC1 (TSC complex subunit 1; minus strand). Cytogenetic location: 9q34.13.
Variant type: Insertion.
Coding change: c.2626-20_2626-19insTC on transcript NM_000368.5 (MANE Select); 20 bases into the intron before coding-DNA position 2626 through 19 bases into the intron before coding-DNA position 2626, TC inserted.
Molecular consequence: intron variant.
Genome position: GRCh38 VCF-style: chr9-132897629-A-AAG. GRCh37 (hg19) VCF-style: chr9-135773016-A-AAG.
Other names: c.2260-20_2260-19insTC (NM_001406620.1, NM_001406621.1, NM_001406622.1 and 1 more transcripts); c.2263-20_2263-19insTC (NM_001406618.1, NM_001406617.1, NM_001406619.1 and 4 more transcripts); c.2218-20_2218-19insTC (NM_001406625.1); c.2428-20_2428-19insTC (NM_001406613.1); c.2470-20_2470-19insTC (NM_001406612.1, NM_001406611.1); c.2473-20_2473-19insTC (NM_001406610.1, NM_001162427.2); c.1672-20_1672-19insTC (NM_001406627.1, NM_001406628.1); c.1573-20_1573-19insTC (NM_001406629.1, NM_001406630.1); and 8 more.
Identifiers: ClinVar variation 4071043 (VCV004071043.1).

ClinVar aggregate classification (germline): Benign (1 of 4 stars; one submission).

Conditions:
Tuberous sclerosis 1 (TSC1). Identifiers: Orphanet 805, MedGen C1854465, MONDO:0008612, OMIM 191100.

Submission:

Myriad Genetics, Inc.
Classification: Benign for Tuberous sclerosis 1. Last evaluated: 2025-04-28. Review status: criteria provided, single submitter. Criteria: Myriad Autosomal Dominant, Autosomal Recessive and X-Linked Classification Criteria (2023). Collection method: clinical testing. Allele origin: unknown.
Comment: This variant is considered benign. This variant is intronic and is not expected to impact mRNA splicing.